The following is an entry in ClinVar:

NM_024740.2(ALG9):c.1412T>C (p.Val471Ala)

Gene: ALG9 (ALG9 alpha-1,2-mannosyltransferase; minus strand). Cytogenetic location: 11q23.1.
Variant type: single nucleotide variant.
Coding change: c.1412T>C on transcript NM_024740.2 (MANE Select); coding-DNA position 1412, T replaced by C.
Protein change: p.Val471Ala; replaces valine 471 with alanine.
Molecular consequence: missense variant. On other transcripts: non-coding transcript variant (1).
Genome position (GRCh38, 1-based): chr11:111,837,528, A>G on the plus strand (T>C on the coding strand, the complement: ALG9 is on the minus strand). VCF-style: chr11-111837528-A-G. GRCh37 (hg19) VCF-style: chr11-111708251-A-G.
Other names: c.1391T>C, p.Val464Ala (NM_001077690.1, NM_001352417.1); c.899T>C, p.Val300Ala (NM_001077691.2, NM_001352413.1, NM_001352414.2 and 1 more transcripts); c.878T>C, p.Val293Ala (NM_001077692.2, NM_001352409.1, NM_001352410.1 and 6 more transcripts); c.1268T>C, p.Val423Ala (NM_001352418.1); c.803T>C, p.Val268Ala (NM_001352422.2); c.755T>C, p.Val252Ala (NM_001352423.2); short protein forms V252A, V268A, V293A, V300A, V423A, V464A, V471A.
Identifiers: ClinVar variation 3346849 (VCV003346849.1).

ClinVar aggregate classification (germline): Uncertain significance (0 of 4 stars; one submission).

Conditions:
ALG9-related disorder. Also called: ALG9-related condition.

gnomAD v4.1: 1 of 1,614,124 alleles (0.000062%); highest among the groups gnomAD compares: African/African-American, 0.0013%; no homozygotes.

Submission:

PreventionGenetics, part of Exact Sciences
Classification: Uncertain significance for ALG9-related condition. Last evaluated: 2024-07-17. Review status: no assertion criteria provided. Collection method: clinical testing. Allele origin: germline.
Comment: The ALG9 c.1412T>C variant is predicted to result in the amino acid substitution p.Val471Ala. To our knowledge, this variant has not been reported in the literature or in a large population database, indicating this variant is rare. At this time, the clinical significance of this variant is uncertain due to the absence of conclusive functional and genetic evidence.